The following is an entry in ClinVar:

ClinVar aggregate classification (germline): Pathogenic/Likely pathogenic. Review status: criteria provided, multiple submitters, no conflicts (2 of 4 stars). 6 submissions from 5 submitters: Pathogenic (1); Likely pathogenic (4). 1 of the submissions does not count toward it. Last evaluated 2024-01-05.

Conditions:
Hypokalemic periodic paralysis, type 1. Also called: HypoPP; Hypokalemic Periodic Paralysis Type 1 (AD). Identifiers: Orphanet 681, MedGen C3714580, MONDO:0042979, OMIM 170400.
Malignant hyperthermia, susceptibility to, 5 (MHS5). Also called: CACNA1S-Related Malignant Hyperthermia Susceptibility. Identifiers: Orphanet 423, MedGen C1866077, MONDO:0011163, OMIM 601887.
Thyrotoxic periodic paralysis, susceptibility to, 1 (TTPP1). Identifiers: Orphanet 79102, MedGen C2749982, MONDO:0008570, OMIM 188580.
Congenital myopathy 18. Also called: Myopathy, congenital, due to dihydropyridine receptor defect; DIHYDROPYRIDINE RECEPTOR CONGENITAL MYOPATHY; DHPR CONGENITAL MYOPATHY. Identifiers: MedGen C5830283, MONDO:0859514, OMIM 620246.

Allele frequency attached by ClinVar (database versions not stated): gnomAD exomes below 0.00001.
gnomAD v4.1: 1 of 1,614,128 alleles (0.000062%); highest among the groups gnomAD compares: Non-Finnish European, 0.000085%; no homozygotes.

Submissions (6):

Fulgent Genetics
Classification: Pathogenic for Hypokalemic periodic paralysis, type 1; Thyrotoxic periodic paralysis, susceptibility to, 1; Malignant hyperthermia, susceptibility to, 5; Congenital myopathy 18. Last evaluated: 2024-01-05. Review status: criteria provided, single submitter. Criteria: ACMG Guidelines, 2015. Collection method: clinical testing. Allele origin: germline.

Genome-Nilou Lab
Classification: Likely pathogenic for Malignant hyperthermia, susceptibility to, 5. Last evaluated: 2023-04-11. Review status: criteria provided, single submitter. Criteria: ACMG Guidelines, 2015. Collection method: clinical testing. Allele origin: germline. Affected: no.

Genome-Nilou Lab
Classification: Likely pathogenic for Hypokalemic periodic paralysis, type 1. Last evaluated: 2023-04-11. Review status: criteria provided, single submitter. Criteria: ACMG Guidelines, 2015. Collection method: clinical testing. Allele origin: germline. Affected: no.

Revvity Omics, Revvity
Classification: Likely pathogenic. Last evaluated: 2022-09-15. Review status: criteria provided, single submitter. Criteria: ACMG Guidelines, 2015. Collection method: clinical testing. Allele origin: germline.

Labcorp Genetics (formerly Invitae), Labcorp
Classification: Likely pathogenic for Hypokalemic periodic paralysis, type 1; Malignant hyperthermia, susceptibility to, 5. Last evaluated: 2020-05-12. Review status: criteria provided, single submitter. Criteria: Invitae Variant Classification Sherloc (09022015). Collection method: clinical testing. Allele origin: germline.
Comment: Donor and acceptor splice site variants typically lead to a loss of protein function (PMID: 16199547), and loss-of-function variants in CACNA1S are known to be pathogenic (PMID: 26247046, 28012042). In summary, the currently available evidence indicates that the variant is pathogenic, but additional data are needed to prove that conclusively. Therefore, this variant has been classified as Likely Pathogenic. Algorithms developed to predict the effect of sequence changes on RNA splicing suggest that this variant may disrupt the consensus splice site, but this prediction has not been confirmed by published transcriptional studies. This variant has not been reported in the literature in individuals with CACNA1S-related conditions. ClinVar contains an entry for this variant (Variation ID: 633680). This variant is not present in population databases (ExAC no frequency). This sequence change affects a donor splice site in intron 33 of the CACNA1S gene. It is expected to disrupt RNA splicing and likely results in an absent or disrupted protein product.

Gharavi Laboratory, Columbia University
Classification: Uncertain significance. Last evaluated: 2018-09-16. Review status: no assertion criteria provided. Criteria: ACMG Guidelines, 2015. Collection method: research. Allele origin: germline. Affected: no. Not counted in ClinVar's aggregate classification.

Literature cited by the submitters: PubMed 16199547 (cited by Labcorp Genetics (formerly Invitae), Labcorp); PubMed 26247046 (cited by Labcorp Genetics (formerly Invitae), Labcorp); PubMed 28012042 (cited by Labcorp Genetics (formerly Invitae), Labcorp).

NM_000069.3(CACNA1S):c.4113+1G>A

Gene: CACNA1S (calcium voltage-gated channel subunit alpha1 S; minus strand). Cytogenetic location: 1q32.1.
Variant type: single nucleotide variant.
Coding change: c.4113+1G>A on transcript NM_000069.3 (MANE Select); the canonical splice donor site of the intron after coding-DNA position 4113, G replaced by A.
Molecular consequence: splice donor variant.
Genome position (GRCh38, 1-based): chr1:201,050,983, C>T on the plus strand (G>A on the coding strand, the complement: CACNA1S is on the minus strand). VCF-style: chr1-201050983-C-T. GRCh37 (hg19) VCF-style: chr1-201020111-C-T.
Identifiers: ClinVar variation 633680 (VCV000633680.16), dbSNP rs1558056376, ClinGen allele CA344149425.